The following is an entry in ClinVar:

ClinVar aggregate classification (germline): Likely benign (1 of 4 stars; one submission).

Submission:

Women's Health and Genetics/Laboratory Corporation of America, LabCorp
Classification: Likely benign. Last evaluated: 2024-12-19. Review status: criteria provided, single submitter. Criteria: LabCorp Variant Classification Summary - May 2015. Collection method: clinical testing. Allele origin: germline.
Comment: Variant summary: HUWE1 c.7030-19_7030-18dupAT alters a non-conserved nucleotide located at a position not widely known to affect splicing. Consensus agreement among computation tools predict no significant impact on normal splicing. However, these predictions have yet to be confirmed by functional studies. The variant was absent in 172644 control chromosomes. The available data on variant occurrences in the general population are insufficient to allow any conclusion about variant significance. To our knowledge, no occurrence of c.7030-19_7030-18dupAT in individuals affected with Intellectual Disability, X-Linked Syndromic, Turner Type and no experimental evidence demonstrating its impact on protein function have been reported. No submitters have cited clinical-significance assessments for this variant to ClinVar. Based on the evidence outlined above, the variant was classified as likely benign.

NM_031407.7(HUWE1):c.7030-25AT[5]

Gene: HUWE1 (HECT, UBA and WWE domain containing E3 ubiquitin protein ligase 1; minus strand). Cytogenetic location: Xp11.22.
Variant type: Microsatellite.
Coding change: c.7030-25AT[5] on transcript NM_031407.7 (MANE Select); five copies in a row of the 2-base unit AT starting at c.7030-25; the reference has four copies in a row; one copy, 2 bases duplicated.
Molecular consequence: intron variant.
Genome position (GRCh38, 1-based): chrX:53,563,839-53,563,840, AT duplicated on the plus strand (AT on the coding strand, the reverse complement: HUWE1 is on the minus strand); duplicating any 2 consecutive bases within chrX:53,563,839-53,563,846 gives the same sequence; the position shown is the placement nearest the transcript's 3' end. VCF-style (leftmost placement, unchanged base first): chrX-53563838-C-CAT. GRCh37 (hg19) VCF-style: chrX-53590799-C-CAT.
Other names: c.7030-19_7030-18dupAT (NM_031407.7).
Identifiers: ClinVar variation 3768507 (VCV003768507.1).
Genomic context (GRCh38, chrX:53,563,838, plus strand): 5'-CTCTCAAGCAACTCATCTATCAGGTCCTCCAGCTCATTCTCAACCTGGAGAGAAATAGAA[C>CAT]ATATATATGGATGCACACAAGTCTATCATTGTGCTAGCACCGAAACCCTAAAAAAGGCCA-3'